The following is an entry in ClinVar:

NM_020750.3(XPO5):c.2735T>C (p.Val912Ala)

Genes: POLR1C (RNA polymerase I and III subunit C; plus strand), XPO5 (exportin 5; minus strand). Cytogenetic location: 6p21.1.
Variant type: single nucleotide variant.
Coding change: c.2735T>C on transcript NM_020750.3 (MANE Select); coding-DNA position 2735, T replaced by C.
Protein change: p.Val912Ala; replaces valine 912 with alanine.
Molecular consequence: missense variant. On other transcripts: non-coding transcript variant (1), intron variant (2).
Genome position (GRCh38, 1-based): chr6:43,528,868, A>G on the plus strand (T>C on the coding strand, the complement: XPO5 is on the minus strand). VCF-style: chr6-43528868-A-G. GRCh37 (hg19) VCF-style: chr6-43496606-A-G.
Other names: c.922+7820A>G (NM_001363658.2); c.923-381A>G (NM_001318876.2); short protein forms V912A.
Identifiers: ClinVar variation 2970831 (VCV002970831.3), dbSNP rs780986096, ClinGen allele CA3826010.

ClinVar aggregate classification (germline): Uncertain significance (1 of 4 stars; one submission).

Allele frequency attached by ClinVar (database versions not stated): TOPMed below 0.00001; ExAC 0.00001; gnomAD exomes below 0.00001; gnomAD 0.00001.
gnomAD v4.1: 2 of 1,613,844 alleles (0.00012%); highest among the groups gnomAD compares: African/African-American, 0.0027%; no homozygotes.

Submission:

Labcorp Genetics (formerly Invitae), Labcorp
Classification: Uncertain significance. Last evaluated: 2025-02-17. Review status: criteria provided, single submitter. Criteria: Invitae Variant Classification Sherloc (09022015). Collection method: clinical testing. Allele origin: germline.
Comment: This sequence change replaces valine, which is neutral and non-polar, with alanine, which is neutral and non-polar, at codon 912 of the XPO5 protein (p.Val912Ala). This variant is present in population databases (rs780986096, gnomAD 0.007%). This variant has not been reported in the literature in individuals affected with XPO5-related conditions. ClinVar contains an entry for this variant (Variation ID: 2970831). An algorithm developed to predict the effect of missense changes on protein structure and function (PolyPhen-2) suggests that this variant is likely to be tolerated. In summary, the available evidence is currently insufficient to determine the role of this variant in disease. Therefore, it has been classified as a Variant of Uncertain Significance.